The following is an entry in ClinVar:

NM_001365999.1(SZT2):c.9528T>G (p.Phe3176Leu)

Genes: SZT2 (SZT2 subunit of KICSTOR complex; plus strand), SZT2-AS1 (SZT2 antisense RNA 1; minus strand). Cytogenetic location: 1p34.2.
Variant type: single nucleotide variant.
Coding change: c.9528T>G on transcript NM_001365999.1 (MANE Select); coding-DNA position 9528, T replaced by G.
Protein change: p.Phe3176Leu; replaces phenylalanine 3176 with leucine.
Molecular consequence: missense variant.
Genome position (GRCh38, 1-based): chr1:43,447,936, T>G. VCF-style: chr1-43447936-T-G. GRCh37 (hg19) VCF-style: chr1-43913607-T-G.
Other names: c.9357T>G, p.Phe3119Leu (NM_015284.4); c.969T>G, p.Phe323Leu (NM_024547.1); short protein forms F323L, F3119L, F3176L.
Identifiers: ClinVar variation 2116116 (VCV002116116.4), dbSNP rs2545868859, ClinGen allele CA340043591.

ClinVar aggregate classification (germline): Uncertain significance (1 of 4 stars; one submission).

Submission:

Labcorp Genetics (formerly Invitae), Labcorp
Classification: Uncertain significance. Last evaluated: 2022-03-23. Review status: criteria provided, single submitter. Criteria: Invitae Variant Classification Sherloc (09022015). Collection method: clinical testing. Allele origin: germline.
Comment: In summary, the available evidence is currently insufficient to determine the role of this variant in disease. Therefore, it has been classified as a Variant of Uncertain Significance. Algorithms developed to predict the effect of missense changes on protein structure and function are either unavailable or do not agree on the potential impact of this missense change (SIFT: "Deleterious"; PolyPhen-2: "Probably Damaging"; Align-GVGD: "Class C0"). This variant has not been reported in the literature in individuals affected with SZT2-related conditions. This variant is not present in population databases (gnomAD no frequency). This sequence change replaces phenylalanine, which is neutral and non-polar, with leucine, which is neutral and non-polar, at codon 3119 of the SZT2 protein (p.Phe3119Leu).